The following is an entry in ClinVar:

ClinVar aggregate classification (germline): Uncertain significance (1 of 4 stars; one submission).

Conditions:
Familial cold autoinflammatory syndrome 2 (FCAS2). Identifiers: Orphanet 247868, MedGen C2673198, MONDO:0012724, OMIM 611762.

gnomAD v4.1: 22 of 1,614,098 alleles (0.0014%); highest among the groups gnomAD compares: Non-Finnish European, 0.0019%; no homozygotes.

Submission:

Labcorp Genetics (formerly Invitae), Labcorp
Classification: Uncertain significance for Familial cold autoinflammatory syndrome 2. Last evaluated: 2025-03-17. Review status: criteria provided, single submitter. Criteria: Invitae Variant Classification Sherloc (09022015). Collection method: clinical testing. Allele origin: germline.
Comment: This sequence change replaces leucine, which is neutral and non-polar, with isoleucine, which is neutral and non-polar, at codon 579 of the NLRP12 protein (p.Leu579Ile). This variant is present in population databases (rs767474846, gnomAD 0.003%). This variant has not been reported in the literature in individuals affected with NLRP12-related conditions. Invitae Evidence Modeling of protein sequence and biophysical properties (such as structural, functional, and spatial information, amino acid conservation, physicochemical variation, residue mobility, and thermodynamic stability) indicates that this missense variant is not expected to disrupt NLRP12 protein function with a negative predictive value of 80%. In summary, the available evidence is currently insufficient to determine the role of this variant in disease. Therefore, it has been classified as a Variant of Uncertain Significance.

NM_144687.4(NLRP12):c.1735C>A (p.Leu579Ile)

Gene: NLRP12 (NLR family pyrin domain containing 12; minus strand). Cytogenetic location: 19q13.42.
Variant type: single nucleotide variant.
Coding change: c.1735C>A on transcript NM_144687.4 (MANE Select); coding-DNA position 1735, C replaced by A.
Protein change: p.Leu579Ile; replaces leucine 579 with isoleucine.
Molecular consequence: missense variant.
Genome position (GRCh38, 1-based): chr19:53,809,924, G>T on the plus strand (C>A on the coding strand, the complement: NLRP12 is on the minus strand). VCF-style: chr19-53809924-G-T. GRCh37 (hg19) VCF-style: chr19-54313178-G-T.
Other names: c.1735C>A, p.Leu579Ile (NM_001277126.2, NM_001277129.1); short protein forms L579I.
Identifiers: ClinVar variation 4703415 (VCV004703415.1).
Genomic context (GRCh38, chr19:53,809,924, plus strand): 5'-CTTTGCTTTGGATCCACTGCAACAGGTCCATCTTGATGTGCGGCGAGACCTTCCAGCAGA[G>T]ACTCTTCTCCAGGTGGCTCCTGGTCTCCTCGTTCAGGAGTCCAAACAGGAAGCGGCTGGT-3'
Protein context (NP_653288.1, residues 569-589): EETRSHLEKS[Leu579Ile]CWKVSPHIKM